The following is an entry in ClinVar:

NM_003366.4(UQCRC2):c.1048-7G>C

Genes: PDZD9 (PDZ domain containing 9), UQCRC2 (ubiquinol-cytochrome c reductase core protein 2). Cytogenetic location: 16p12.2.
Variant type: single nucleotide variant.
Coding change: c.1048-7G>C on transcript NM_003366.4 (MANE Select); 7 bases into the intron before coding-DNA position 1048, G replaced by C.
Molecular consequence: intron variant.
Genome position (GRCh38, 1-based): chr16:21,976,160, G>C. VCF-style: chr16-21976160-G-C. GRCh37 (hg19) VCF-style: chr16-21987481-G-C.
Other names: c.1048-7G>C (NM_003366.3).
Identifiers: ClinVar variation 381445 (VCV000381445.15), dbSNP rs9924667, ClinGen allele CA7953947.

ClinVar aggregate classification (germline): Benign. Review status: criteria provided, multiple submitters, no conflicts (2 of 4 stars). 5 submissions from 5 submitters: Benign (3). 2 of the submissions do not count toward it. Last evaluated 2026-01-25.

Conditions:
UQCRC2-related disorder. Also called: UQCRC2-related condition.

Allele frequency attached by ClinVar (database versions not stated): gnomAD exomes 0.00309 and 0.00840; ExAC 0.01060; gnomAD 0.03247 and 0.03491; 1000 Genomes Project 0.03295; 1000 Genomes Project 30x 0.03467; ESP Exome Variant Server 0.03655; TOPMed 0.03742.
gnomAD v4.1: 9,621 of 1,612,954 alleles (0.6%); highest among the groups gnomAD compares: African/African-American, 11%; 523 homozygotes.

Submissions (5):

Labcorp Genetics (formerly Invitae), Labcorp
Classification: Benign. Last evaluated: 2026-01-25. Review status: criteria provided, single submitter. Criteria: Invitae Variant Classification Sherloc (09022015). Collection method: clinical testing. Allele origin: germline.

GeneDx
Classification: Benign. Last evaluated: 2016-02-22. Review status: criteria provided, single submitter. Criteria: GeneDx Variant Classification (06012015). Collection method: clinical testing. Allele origin: germline. Affected: yes.
Comment: This variant is considered likely benign or benign based on one or more of the following criteria: it is a conservative change, it occurs at a poorly conserved position in the protein, it is predicted to be benign by multiple in silico algorithms, and/or has population frequency not consistent with disease.

Breakthrough Genomics
Classification: Benign. Review status: criteria provided, single submitter. Criteria: ACMG Guidelines, 2015. Collection method: not provided. Allele origin: germline. Inheritance: Autosomal recessive inheritance. Affected: yes.

PreventionGenetics, part of Exact Sciences
Classification: Benign for UQCRC2-related condition. Last evaluated: 2019-04-09. Review status: no assertion criteria provided. Collection method: clinical testing. Allele origin: germline. Not counted in ClinVar's aggregate classification.
Comment: This variant is classified as benign based on ACMG/AMP sequence variant interpretation guidelines (Richards et al. 2015 PMID: 25741868, with internal and published modifications).

Mayo Clinic Laboratories, Mayo Clinic
Classification: Benign. Last evaluated: 2016-03-16. Review status: no assertion criteria provided. Collection method: clinical testing. Allele origin: unknown. Not counted in ClinVar's aggregate classification.